The following is an entry in ClinVar:

ClinVar aggregate classification (germline): Pathogenic (1 of 4 stars; one submission).

Conditions:
ABCA4-related disorder. Also called: ABCA4-related condition; ABCA4-related disorders. Identifiers: MedGen CN239167.

Submission:

3billion
Classification: Pathogenic for ABCA4-related disorder. Last evaluated: 2025-12-03. Review status: criteria provided, single submitter. Criteria: ACMG Guidelines, 2015. Collection method: clinical testing. Allele origin: germline. Affected: yes.
Comment: The variant is not observed in the gnomAD v4.1.0 dataset. Predicted Consequence/Location: Intron variant: previously reported to alter splicing and result in a loss of normal protein function through nonsense-mediated decay (NMD) or protein truncation (PMID: 35475888). In silico tools predict the variant to alter splicing and produce an abnormal transcript [SpliceAI: 0.39 (spliceogenicity >=0.2, non-spliceogenicity <0.1)]. Intron variant: previously reported to alter splicing and result in a loss of normal protein function through nonsense-mediated decay (NMD) or protein truncation (PMID: 35475888). Therefore, this variant is classified as Pathogenic according to the recommendation of ACMG/AMP guideline.

Literature cited by the submitters: PubMed 35475888.

NM_000350.3(ABCA4):c.859-25A>G

Gene: ABCA4 (ATP binding cassette subfamily A member 4; minus strand). Cytogenetic location: 1p22.1.
Variant type: single nucleotide variant.
Coding change: c.859-25A>G on transcript NM_000350.3 (MANE Select); 25 bases into the intron before coding-DNA position 859, A replaced by G.
Molecular consequence: intron variant.
Genome position (GRCh38, 1-based): chr1:94,080,743, T>C on the plus strand (A>G on the coding strand, the complement: ABCA4 is on the minus strand). VCF-style: chr1-94080743-T-C. GRCh37 (hg19) VCF-style: chr1-94546299-T-C.
Other names: c.859-25A>G (NM_001425324.1).
Identifiers: ClinVar variation 3775565 (VCV003775565.2).